The following is an entry in ClinVar:

NM_000536.4(RAG2):c.1414G>A (p.Gly472Arg)

Gene: RAG2 (recombination activating 2; minus strand). Cytogenetic location: 11p12.
Variant type: single nucleotide variant.
Coding change: c.1414G>A on transcript NM_000536.4 (MANE Select); coding-DNA position 1414, G replaced by A.
Protein change: p.Gly472Arg; replaces glycine 472 with arginine.
Molecular consequence: missense variant.
Genome position (GRCh38, 1-based): chr11:36,592,755, C>T on the plus strand (G>A on the coding strand, the complement: RAG2 is on the minus strand). VCF-style: chr11-36592755-C-T. GRCh37 (hg19) VCF-style: chr11-36614305-C-T.
Other names: c.1414G>A, p.Gly472Arg (NM_001243785.2, NM_001243786.2); short protein forms G472R.
Identifiers: ClinVar variation 956389 (VCV000956389.9), dbSNP rs1413100202, ClinGen allele CA380140419.

ClinVar aggregate classification (germline): Uncertain significance. Review status: criteria provided, single submitter (1 of 4 stars). 2 submissions from 2 submitters: Uncertain significance (1). 1 of the submissions does not count toward it. Last evaluated 2025-08-11.

Conditions:
Combined immunodeficiency with skin granulomas. Identifiers: Orphanet 157949, MedGen C2673536, MONDO:0009306, OMIM 233650.
Severe combined immunodeficiency, autosomal recessive, T cell-negative, B cell-negative, NK cell-positive. Also called: SCID, T CELL-NEGATIVE, B CELL-NEGATIVE, NK CELL-POSITIVE; Severe combined immunodeficiency due to complete RAG1/2 deficiency; SCID, AR, T-cell negative, B-cell negative, NK cell-positive. Identifiers: Orphanet 331206, MedGen C1832322, MONDO:0011086, OMIM 601457.
Histiocytic medullary reticulosis. Also called: Omenn syndrome; SEVERE COMBINED IMMUNODEFICIENCY WITH HYPEREOSINOPHILIA. Identifiers: Orphanet 39041, MedGen C2700553, MONDO:0011338, OMIM 603554.

Allele frequency attached by ClinVar (database versions not stated): gnomAD exomes below 0.00001 and 0.00001.
gnomAD v4.1: 12 of 1,614,082 alleles (0.00074%); highest among the groups gnomAD compares: East Asian, 0.0045%; no homozygotes.

Submissions (2):

Labcorp Genetics (formerly Invitae), Labcorp
Classification: Uncertain significance for Combined immunodeficiency with skin granulomas; Severe combined immunodeficiency, autosomal recessive, T cell-negative, B cell-negative, NK cell-positive. Last evaluated: 2025-08-11. Review status: criteria provided, single submitter. Criteria: Invitae Variant Classification Sherloc (09022015). Collection method: clinical testing. Allele origin: germline.
Comment: This sequence change replaces glycine, which is neutral and non-polar, with arginine, which is basic and polar, at codon 472 of the RAG2 protein (p.Gly472Arg). This variant is present in population databases (no rsID available, gnomAD 0.006%). This variant has not been reported in the literature in individuals affected with RAG2-related conditions. ClinVar contains an entry for this variant (Variation ID: 956389). Invitae Evidence Modeling of protein sequence and biophysical properties (such as structural, functional, and spatial information, amino acid conservation, physicochemical variation, residue mobility, and thermodynamic stability) indicates that this missense variant is not expected to disrupt RAG2 protein function with a negative predictive value of 95%. In summary, the available evidence is currently insufficient to determine the role of this variant in disease. Therefore, it has been classified as a Variant of Uncertain Significance.

Natera, Inc.
Classification: Uncertain significance for Omenn syndrome. Last evaluated: 2021-05-21. Review status: no assertion criteria provided. Collection method: clinical testing. Allele origin: germline. Not counted in ClinVar's aggregate classification.